The following is an entry in ClinVar:

ClinVar aggregate classification (germline): Uncertain significance (1 of 4 stars; one submission).

Submission:

Labcorp Genetics (formerly Invitae), Labcorp
Classification: Uncertain significance. Last evaluated: 2025-02-19. Review status: criteria provided, single submitter. Criteria: Invitae Variant Classification Sherloc (09022015). Collection method: clinical testing. Allele origin: germline.
Comment: This sequence change replaces serine, which is neutral and polar, with glycine, which is neutral and non-polar, at codon 475 of the GDF5 protein (p.Ser475Gly). This variant is not present in population databases (gnomAD no frequency). This variant has not been reported in the literature in individuals affected with GDF5-related conditions. Invitae Evidence Modeling of protein sequence and biophysical properties (such as structural, functional, and spatial information, amino acid conservation, physicochemical variation, residue mobility, and thermodynamic stability) indicates that this missense variant is expected to disrupt GDF5 protein function with a positive predictive value of 80%. In summary, the available evidence is currently insufficient to determine the role of this variant in disease. Therefore, it has been classified as a Variant of Uncertain Significance.

NM_000557.5(GDF5):c.1423A>G (p.Ser475Gly)

Genes: GDF5 (growth differentiation factor 5; minus strand), GDF5-AS1 (GDF5 antisense RNA 1; plus strand). Cytogenetic location: 20q11.22.
Variant type: single nucleotide variant.
Coding change: c.1423A>G on transcript NM_000557.5 (MANE Select); coding-DNA position 1423, A replaced by G.
Protein change: p.Ser475Gly; replaces serine 475 with glycine.
Molecular consequence: missense variant. On other transcripts: non-coding transcript variant (1).
Genome position (GRCh38, 1-based): chr20:35,433,992, T>C on the plus strand (A>G on the coding strand, the complement: GDF5 is on the minus strand). VCF-style: chr20-35433992-T-C. GRCh37 (hg19) VCF-style: chr20-34021790-T-C.
Other names: c.1423A>G, p.Ser475Gly (NM_001319138.2); short protein forms S475G.
Identifiers: ClinVar variation 4740863 (VCV004740863.1).